The following is an entry in ClinVar:

NM_007294.4(BRCA1):c.3857G>C (p.Ser1286Thr)

Genes: BRCA1 (BRCA1 DNA repair associated; minus strand), LOC126862571 (BRD4-independent group 4 enhancer GRCh37_chr17:41243136-41244335; plus strand). Cytogenetic location: 17q21.31.
Variant type: single nucleotide variant.
Coding change: c.3857G>C on transcript NM_007294.4 (MANE Select); coding-DNA position 3857, G replaced by C.
Protein change: p.Ser1286Thr; replaces serine 1286 with threonine.
Molecular consequence: missense variant. On other transcripts: intron variant (135).
Genome position (GRCh38, 1-based): chr17:43,091,674, C>G on the plus strand (G>C on the coding strand, the complement: BRCA1 is on the minus strand). VCF-style: chr17-43091674-C-G. GRCh37 (hg19) VCF-style: chr17-41243691-C-G.
Other names: c.461-642G>C (NM_001408507.1, NM_001408506.1); c.545-642G>C (NM_001408495.1); c.662-642G>C (NM_001408448.1, NM_001408445.1, NM_001408432.1 and 6 more transcripts); c.668-642G>C (NM_001408421.1, NM_001408431.1, NM_001408424.1); c.785-642G>C (NM_001407991.1, NM_001408407.1, NM_001408402.1 and 13 more transcripts); c.665-642G>C (NM_001408427.1, NM_001408443.1, NM_001408439.1 and 12 more transcripts); c.524-642G>C (NM_001408496.1, NM_001408499.1, NM_001408498.1 and 3 more transcripts); c.647-642G>C (NM_001408460.1, NM_001408454.1, NM_001408456.1 and 11 more transcripts); and 41 more; short protein forms S1286T, S1239T, S1198T, S1260T, S1285T, S1158T, S1174T, S1216T.
Identifiers: ClinVar variation 187761 (VCV000187761.29), dbSNP rs142383077, ClinGen allele CA002485.

ClinVar aggregate classification (germline): Conflicting classifications of pathogenicity. Review status: criteria provided, conflicting classifications (1 of 4 stars). 8 submissions from 8 submitters: Uncertain significance (5); Likely benign (2). 1 of the submissions does not count toward it. Last evaluated 2025-08-25.

Conditions:
Hereditary cancer-predisposing syndrome. Also called: Hereditary Cancer Syndrome; Hereditary neoplastic syndrome; Tumor predisposition; Neoplastic Syndromes, Hereditary. Identifiers: Orphanet 140162, MedGen C0027672, MeSH D009386, MONDO:0015356.
Hereditary breast ovarian cancer syndrome. Also called: Hereditary breast and ovarian cancer syndrome; Hereditary breast and ovarian cancer syndrome (HBOC); BRCA1- and BRCA2-Associated Hereditary Breast and Ovarian Cancer; Breast and ovarian cancer; Hereditary breast and ovarian cancer; Hereditary breast and/or ovarian cancer syndrome. Identifiers: Orphanet 145, MedGen C0677776, MeSH D061325, MONDO:0003582. Disease mechanism: loss of function.
Breast-ovarian cancer, familial, susceptibility to, 1 (BROVCA1). Also called: OVARIAN CANCER, SUSCEPTIBILITY TO; BRCA1 Hereditary Breast and Ovarian Cancer. Identifiers: Orphanet 145, MedGen C2676676, MONDO:0011450, OMIM 604370. Disease mechanism: loss of function.

Allele frequency attached by ClinVar (database versions not stated): ExAC 0.00001; gnomAD 0.00001; ESP Exome Variant Server 0.00008.
gnomAD v4.1: 2 of 1,614,110 alleles (0.00012%); highest among the groups gnomAD compares: African/African-American, 0.0013%; no homozygotes.

Submissions (8):

Quest Diagnostics Nichols Institute San Juan Capistrano
Classification: Uncertain significance. Last evaluated: 2025-08-25. Review status: criteria provided, single submitter. Criteria: Quest Diagnostics criteria. Collection method: clinical testing. Allele origin: unknown.
Comment: The BRCA1 c.3857G>C (p.Ser1286Thr) variant has been reported in the published literature in to be located in a region of the BRCA1 gene that is tolerant to missense sequence changes (PMID: 31911673 (2020)). The frequency of this variant in the general population (Genome Aggregation Database) is uninformative in the assessment of its pathogenicity. Analysis of this variant using bioinformatics tools for the prediction of the effect of amino acid changes on protein structure and function yielded predictions that this variant is benign. Based on the available information, we are unable to determine the clinical significance of this variant.

Labcorp Genetics (formerly Invitae), Labcorp
Classification: Uncertain significance for Hereditary breast ovarian cancer syndrome. Last evaluated: 2025-07-22. Review status: criteria provided, single submitter. Criteria: Invitae Variant Classification Sherloc (09022015). Collection method: clinical testing. Allele origin: germline.
Comment: This sequence change replaces serine, which is neutral and polar, with threonine, which is neutral and polar, at codon 1286 of the BRCA1 protein (p.Ser1286Thr). This variant is not present in population databases (gnomAD no frequency). This variant has not been reported in the literature in individuals affected with BRCA1-related conditions. ClinVar contains an entry for this variant (Variation ID: 187761). Invitae Evidence Modeling of protein sequence and biophysical properties (such as structural, functional, and spatial information, amino acid conservation, physicochemical variation, residue mobility, and thermodynamic stability) indicates that this missense variant is expected to disrupt BRCA1 protein function with a positive predictive value of 80%. In summary, the available evidence is currently insufficient to determine the role of this variant in disease. Therefore, it has been classified as a Variant of Uncertain Significance.

Color Diagnostics, LLC DBA Color Health
Classification: Uncertain significance for Hereditary cancer-predisposing syndrome. Last evaluated: 2025-05-05. Review status: criteria provided, single submitter. Criteria: ACMG Guidelines, 2015. Collection method: clinical testing. Allele origin: germline.
Comment: This missense variant replaces serine with threonine at codon 1286 of the BRCA1 protein. Computational prediction is inconclusive regarding the impact of this variant on protein structure and function. To our knowledge, functional studies have not been reported for this variant. This variant has not been reported in individuals affected with BRCA1-related disorders in the literature. This variant has not been identified in the general population by the Genome Aggregation Database (gnomAD). The available evidence is insufficient to determine the role of this variant in disease conclusively. Therefore, this variant is classified as a Variant of Uncertain Significance.

ARUP Laboratories, Molecular Genetics and Genomics, ARUP Laboratories
Classification: Likely benign. Last evaluated: 2025-02-12. Review status: criteria provided, single submitter. Criteria: ARUP Molecular Germline Variant Investigation Process 2024. Collection method: clinical testing. Allele origin: germline.

Ambry Genetics
Classification: Uncertain significance for Hereditary cancer-predisposing syndrome. Last evaluated: 2024-06-13. Review status: criteria provided, single submitter. Criteria: Ambry Variant Classification Scheme 2023. Collection method: clinical testing. Allele origin: germline.
Comment: The p.S1286T variant (also known as c.3857G>C), located in coding exon 9 of the BRCA1 gene, results from a G to C substitution at nucleotide position 3857. The serine at codon 1286 is replaced by threonine, an amino acid with similar properties. This amino acid position is well conserved in available vertebrate species. In addition, the in silico prediction for this alteration is inconclusive. Since supporting evidence is limited at this time, the clinical significance of this alteration remains unclear.

Women's Health and Genetics/Laboratory Corporation of America, LabCorp
Classification: Uncertain significance. Last evaluated: 2023-06-15. Review status: criteria provided, single submitter. Criteria: LabCorp Variant Classification Summary - May 2015. Collection method: clinical testing. Allele origin: germline.
Comment: Variant summary: BRCA1 c.3857G>C (p.Ser1286Thr) results in a conservative amino acid change in the encoded protein sequence. Five of five in-silico tools predict a benign effect of the variant on protein function. The variant allele was found at a frequency of 4e-06 in 251106 control chromosomes. The available data on variant occurrences in the general population are insufficient to allow any conclusion about variant significance. To our knowledge, no occurrence of c.3857G>C in individuals affected with Hereditary Breast And Ovarian Cancer Syndrome and no experimental evidence demonstrating its impact on protein function have been reported. Six ClinVar submitters (evaluation after 2014) have reported the variant with conflicting assessments: 5 submitters classified the variant as VUS and 1 submitter classified the variant as likely benign. Based on the evidence outlined above, the variant was classified as uncertain significance.

University of Washington Department of Laboratory Medicine, University of Washington
Classification: Likely benign for Hereditary cancer-predisposing syndrome. Last evaluated: 2023-03-23. Review status: criteria provided, single submitter. Criteria: Dines et al. (Genet Med. 2020). Collection method: curation. Allele origin: germline.
Comment: Missense variant in a coldspot region where missense variants are very unlikely to be pathogenic (PMID:31911673).

BRCA1 coldspot (exon 11 using historical exon numbering). Reclassification based on statistical prior probability

Counsyl
Classification: Uncertain significance for Breast-ovarian cancer, familial, susceptibility to, 1. Last evaluated: 2016-02-26. Review status: no assertion criteria provided. Collection method: clinical testing. Allele origin: unknown. Not counted in ClinVar's aggregate classification.

Literature cited by the submitters: PubMed 25225064 (cited by Quest Diagnostics Nichols Institute San Juan Capistrano and Ambry Genetics); PubMed 31911673 (cited by Quest Diagnostics Nichols Institute San Juan Capistrano).